The following is an entry in ClinVar:

ClinVar aggregate classification (germline): Conflicting classifications of pathogenicity. Review status: criteria provided, conflicting classifications (1 of 4 stars). 2 submissions from 2 submitters: Uncertain significance (1); Likely benign (1). Last evaluated 2025-05-19.

Conditions:
TNC-related disorder. Also called: TNC-related condition.

Allele frequency attached by ClinVar (database versions not stated): gnomAD exomes 0.00001; gnomAD 0.00002; TOPMed 0.00002; ExAC 0.00004.

Submissions (2):

Ambry Genetics
Classification: Uncertain significance. Last evaluated: 2025-05-19. Review status: criteria provided, single submitter. Criteria: Ambry Variant Classification Scheme 2023. Collection method: clinical testing. Allele origin: germline.

PreventionGenetics, part of Exact Sciences
Classification: Likely benign for TNC-related condition. Last evaluated: 2025-02-24. Review status: criteria provided, single submitter. Criteria: ACMG Guidelines, 2015. Collection method: clinical testing. Allele origin: germline.
Comment: This variant is classified as likely benign based on ACMG/AMP sequence variant interpretation guidelines (Richards et al. 2015 PMID: 25741868, with internal and published modifications).

NM_002160.4(TNC):c.5110G>T (p.Ala1704Ser)

Gene: TNC (tenascin C; minus strand). Cytogenetic location: 9q33.1.
Variant type: single nucleotide variant.
Coding change: c.5110G>T on transcript NM_002160.4 (MANE Select); coding-DNA position 5110, G replaced by T.
Protein change: p.Ala1704Ser; replaces alanine 1704 with serine.
Molecular consequence: missense variant.
Genome position (GRCh38, 1-based): chr9:115,046,425, C>A on the plus strand (G>T on the coding strand, the complement: TNC is on the minus strand). VCF-style: chr9-115046425-C-A. GRCh37 (hg19) VCF-style: chr9-117808704-C-A.
Other names: c.4564G>T, p.Ala1522Ser (NM_001410991.1); short protein forms A1522S, A1704S.
Identifiers: ClinVar variation 2542196 (VCV002542196.4), dbSNP rs756086584, ClinGen allele CA5207755.